The following is an entry in ClinVar:

NM_007118.4(TRIO):c.8864dup (p.Asn2955fs)

Gene: TRIO (trio Rho guanine nucleotide exchange factor; plus strand). Cytogenetic location: 5p15.2.
Variant type: Duplication.
Coding change: c.8864dup on transcript NM_007118.4 (MANE Select); coding-DNA position 8864, one base duplicated (A; older notation c.8864dupA).
Protein change: p.Asn2955fs; shifts the reading frame from asparagine 2955.
Molecular consequence: frameshift variant. On other transcripts: non-coding transcript variant (1).
Genome position (GRCh38, 1-based): chr5:14,507,992, A duplicated; the last of 2 consecutive A bases (chr5:14,507,991-14,507,992); duplicating either gives the same sequence. VCF-style (leftmost placement, unchanged base first): chr5-14507990-G-GA. GRCh37 (hg19) VCF-style: chr5-14508099-G-GA.
Other names: short protein forms N2955fs.
Identifiers: ClinVar variation 3235146 (VCV003235146.1), dbSNP rs2477739520.

ClinVar aggregate classification (germline): Uncertain significance (1 of 4 stars; one submission).

Conditions:
Intellectual developmental disorder, autosomal dominant 44, with microcephaly. Also called: Micrognathia-recurrent infections-behavioral abnormalities-mild intellectual disability syndrome; TRIO-Related Intellectual Disability. Identifiers: Orphanet 476126, MedGen C4310740, MONDO:0014892, OMIM 617061.

Submission:

MVZ Medizinische Genetik Mainz
Classification: Uncertain significance for Intellectual developmental disorder, autosomal dominant 44, with microcephaly. Last evaluated: 2022-11-08. Review status: criteria provided, single submitter. Criteria: UK Practice Guidelines For Variant Classification V4 01 2020. Collection method: clinical testing. Allele origin: germline. Inheritance: Autosomal dominant inheritance. Affected: yes. Observed: 1 variant allele.
Comment: ACMG Criteria: PVS1_MOD, PM2_SUP